The following is an entry in ClinVar:

ClinVar aggregate classification (germline): Uncertain significance (1 of 4 stars; one submission).

Conditions:
Hajdu-Cheney syndrome (HJCYS). Also called: ACROOSTEOLYSIS WITH OSTEOPOROSIS AND CHANGES IN SKULL AND MANDIBLE; SERPENTINE FIBULA-POLYCYSTIC KIDNEY SYNDROME; Acroosteolysis dominant type. Identifiers: Orphanet 955, MedGen C0917715, MONDO:0007057, OMIM 102500.

Allele frequency attached by ClinVar (database versions not stated): gnomAD exomes below 0.00001.
gnomAD v4.1: 1 of 1,613,824 alleles (0.000062%); highest among the groups gnomAD compares: Non-Finnish European, 0.000085%; no homozygotes.

Submission:

Labcorp Genetics (formerly Invitae), Labcorp
Classification: Uncertain significance for Hajdu-Cheney syndrome. Last evaluated: 2019-09-18. Review status: criteria provided, single submitter. Criteria: Invitae Variant Classification Sherloc (09022015). Collection method: clinical testing. Allele origin: germline.
Comment: In summary, the available evidence is currently insufficient to determine the role of this variant in disease. Therefore, it has been classified as a Variant of Uncertain Significance. Algorithms developed to predict the effect of missense changes on protein structure and function (SIFT, PolyPhen-2, Align-GVGD) all suggest that this variant is likely to be disruptive, but these predictions have not been confirmed by published functional studies and their clinical significance is uncertain. This variant has not been reported in the literature in individuals with NOTCH2-related conditions. This variant is not present in population databases (ExAC no frequency). This sequence change replaces threonine with alanine at codon 1056 of the NOTCH2 protein (p.Thr1056Ala). The threonine residue is highly conserved and there is a small physicochemical difference between threonine and alanine.

NM_024408.4(NOTCH2):c.3166A>G (p.Thr1056Ala)

Gene: NOTCH2 (notch receptor 2; minus strand). Cytogenetic location: 1p12.
Variant type: single nucleotide variant.
Coding change: c.3166A>G on transcript NM_024408.4 (MANE Select); coding-DNA position 3166, A replaced by G.
Protein change: p.Thr1056Ala; replaces threonine 1056 with alanine.
Molecular consequence: missense variant.
Genome position (GRCh38, 1-based): chr1:119,940,572, T>C on the plus strand (A>G on the coding strand, the complement: NOTCH2 is on the minus strand). VCF-style: chr1-119940572-T-C. GRCh37 (hg19) VCF-style: chr1-120483195-T-C.
Other names: c.3166A>G, p.Thr1056Ala (NM_001200001.2); short protein forms T1056A.
Identifiers: ClinVar variation 934338 (VCV000934338.10), dbSNP rs1650029261, ClinGen allele CA341853965.
Genomic context (GRCh38, chr1:119,940,572, plus strand): 5'-GCTGCTCTAGGGGAGCTGAGTGAATGGGAAGGAAGTCAATTACCTGACAGTTTTTCCCAG[T>C]GTAGCCCAGGGGGCAGCTGCAGCGGTAGGTACCCAGGCCATCAACACACGTTCCCTCATT-3'
Protein context (NP_077719.2, residues 1046-1066): TYRCSCPLGY[Thr1056Ala]GKNCQTLVNL